The following is an entry in ClinVar:

ClinVar aggregate classification (germline): Likely benign. Review status: criteria provided, multiple submitters, no conflicts (2 of 4 stars). 2 submissions from 2 submitters: Likely benign (2). Last evaluated 2021-05-15.

Allele frequency attached by ClinVar (database versions not stated): 1000 Genomes Project 0.00459; 1000 Genomes Project 30x 0.00484; TOPMed 0.00844; gnomAD 0.00996 and 0.01014.
gnomAD v4.1: 22,257 of 1,599,732 alleles (1.4%); highest among the groups gnomAD compares: Non-Finnish European, 1.6%; 197 homozygotes.

Submissions (2):

GeneDx
Classification: Likely benign. Last evaluated: 2021-05-15. Review status: criteria provided, single submitter. Criteria: GeneDx Variant Classification Process June 2021. Collection method: clinical testing. Allele origin: germline. Affected: yes.
Comment: See Variant Classification Assertion Criteria.

Breakthrough Genomics
Classification: Likely benign. Review status: criteria provided, single submitter. Criteria: ACMG Guidelines, 2015. Collection method: not provided. Allele origin: germline. Inheritance: Autosomal recessive inheritance. Affected: yes.

NM_001369.3(DNAH5):c.6688-54C>T

Gene: DNAH5 (dynein axonemal heavy chain 5; minus strand). Cytogenetic location: 5p15.2.
Variant type: single nucleotide variant.
Coding change: c.6688-54C>T on transcript NM_001369.3 (MANE Select); 54 bases into the intron before coding-DNA position 6688, C replaced by T.
Molecular consequence: intron variant.
Genome position (GRCh38, 1-based): chr5:13,820,553, G>A on the plus strand (C>T on the coding strand, the complement: DNAH5 is on the minus strand). VCF-style: chr5-13820553-G-A. GRCh37 (hg19) VCF-style: chr5-13820662-G-A.
Identifiers: ClinVar variation 1683978 (VCV001683978.3), dbSNP rs114904056, ClinGen allele CA113928732.